The following is an entry in ClinVar:

NM_012193.4(FZD4):c.368C>T (p.Ser123Leu)

Genes: FZD4 (frizzled class receptor 4; minus strand), PRSS23 (serine protease 23; plus strand). Cytogenetic location: 11q14.2.
Variant type: single nucleotide variant.
Coding change: c.368C>T on transcript NM_012193.4 (MANE Select); coding-DNA position 368, C replaced by T.
Protein change: p.Ser123Leu; replaces serine 123 with leucine.
Molecular consequence: missense variant. On other transcripts: non-coding transcript variant (2).
Genome position (GRCh38, 1-based): chr11:86,952,388, G>A on the plus strand (C>T on the coding strand, the complement: FZD4 is on the minus strand). VCF-style: chr11-86952388-G-A. GRCh37 (hg19) VCF-style: chr11-86663430-G-A.
Other names: short protein forms S123L.
Identifiers: ClinVar variation 4770675 (VCV004770675.1).

ClinVar aggregate classification (germline): Uncertain significance (1 of 4 stars; one submission).

Submission:

Labcorp Genetics (formerly Invitae), Labcorp
Classification: Uncertain significance. Last evaluated: 2025-08-31. Review status: criteria provided, single submitter. Criteria: Invitae Variant Classification Sherloc (09022015). Collection method: clinical testing. Allele origin: germline.
Comment: This sequence change replaces serine, which is neutral and polar, with leucine, which is neutral and non-polar, at codon 123 of the FZD4 protein (p.Ser123Leu). This variant is not present in population databases (gnomAD no frequency). This variant has not been reported in the literature in individuals affected with FZD4-related conditions. Invitae Evidence Modeling of protein sequence and biophysical properties (such as structural, functional, and spatial information, amino acid conservation, physicochemical variation, residue mobility, and thermodynamic stability) has been performed for this missense variant. However, the output from this modeling did not meet the statistical confidence thresholds required to predict the impact of this variant on FZD4 protein function. In summary, the available evidence is currently insufficient to determine the role of this variant in disease. Therefore, it has been classified as a Variant of Uncertain Significance.